The following is an entry in ClinVar:

NM_001999.4(FBN2):c.3724+1G>A

Gene: FBN2 (fibrillin 2; minus strand). Cytogenetic location: 5q23.3.
Variant type: single nucleotide variant.
Coding change: c.3724+1G>A on transcript NM_001999.4 (MANE Select); the canonical splice donor site of the intron after coding-DNA position 3724, G replaced by A.
Molecular consequence: splice donor variant.
Genome position (GRCh38, 1-based): chr5:128,335,987, C>T on the plus strand (G>A on the coding strand, the complement: FBN2 is on the minus strand). VCF-style: chr5-128335987-C-T. GRCh37 (hg19) VCF-style: chr5-127671679-C-T.
Identifiers: ClinVar variation 1734319 (VCV001734319.2), dbSNP rs2479803228, ClinGen allele CA360758180.

ClinVar aggregate classification (germline): Likely pathogenic (1 of 4 stars; one submission).

Conditions:
Familial thoracic aortic aneurysm and aortic dissection (TAAD). Also called: Thoracic aortic aneurysms and dissections. Identifiers: Orphanet 91387, MedGen C4707243, MONDO:0019625.

Submission:

Ambry Genetics
Classification: Likely pathogenic for Familial thoracic aortic aneurysm and aortic dissection. Last evaluated: 2021-10-22. Review status: criteria provided, single submitter. Criteria: Ambry Variant Classification Scheme 2023. Collection method: clinical testing. Allele origin: germline.
Comment: The c.3724+1G>A intronic variant results from a G to A substitution one nucleotide after coding exon 28 of the FBN2 gene. This alteration was reported to have occurred de novo in an individual with congenital contractural arachnodactyly (CCA) (Mehar V et al. J Pediatr Genet, 2014 Sep;3:163-6). In addition, a similar alteration affecting the same splice donor site, c.3724+2T>G, has been reported in association with CCA in two unrelated probands, with a likely de novo origin in one of the two probands (Gupta PA et al. Hum. Mutat. 2002;19:39-48). RNA studies on dermal fibroblasts from both probands indicate that the c.3724+2T>G alteration results in in-frame exon skipping. This nucleotide position is highly conserved in available vertebrate species. Using the BDGP and ESEfinder splice site prediction tools, this alteration is predicted to abolish the native splice donor site; however, direct evidence is unavailable. Based on the majority of available evidence to date, this variant is likely to be pathogenic.

Literature cited by the submitters: PubMed 27625873.